The following is an entry in ClinVar:

NM_002894.3(RBBP8):c.1243T>A (p.Ser415Thr)

Gene: RBBP8 (RB binding protein 8, endonuclease; plus strand). Cytogenetic location: 18q11.2.
Variant type: single nucleotide variant.
Coding change: c.1243T>A on transcript NM_002894.3 (MANE Select); coding-DNA position 1243, T replaced by A.
Protein change: p.Ser415Thr; replaces serine 415 with threonine.
Molecular consequence: missense variant.
Genome position (GRCh38, 1-based): chr18:22,993,070, T>A. VCF-style: chr18-22993070-T-A. GRCh37 (hg19) VCF-style: chr18-20573033-T-A.
Other names: c.1243T>A (NM_002894.2); c.1243T>A, p.Ser415Thr (NM_203291.2, NM_203292.2); short protein forms S415T.
Identifiers: ClinVar variation 1413880 (VCV001413880.8), dbSNP rs769800397, ClinGen allele CA8910039.
Genomic context (GRCh38, chr18:22,993,070, plus strand): 5'-AACAAGATCATTATCCAGTCATCTAATAAACAGATACTTATAAATAAAAATATAAGTGAA[T>A]CCCTAGGTGAACAGAATAGGACTGAGTACGGTAAAGATTCTAACACTGATAAACATTTGG-3'
Protein context (NP_002885.1, residues 405-425): QILINKNISE[Ser415Thr]LGEQNRTEYG

ClinVar aggregate classification (germline): Uncertain significance. Review status: criteria provided, multiple submitters, no conflicts (2 of 4 stars). 4 submissions from 4 submitters: Uncertain significance (4). Last evaluated 2024-09-02.

Conditions:
Inborn genetic diseases. Identifiers: MedGen C0950123, MeSH D030342.
Jawad syndrome (JWDS). Also called: MICROCEPHALY WITH IMPAIRED INTELLECTUAL DEVELOPMENT AND DIGITAL ANOMALIES; KELLY SYNDROME. Identifiers: Orphanet 313795, MedGen C0796063, MONDO:0009622, OMIM 251255.
Seckel syndrome 2 (SCKL2). Also called: MICROCEPHALIC PRIMORDIAL DWARFISM 2; SECKEL-TYPE DWARFISM 2. Identifiers: Orphanet 808, MedGen C1847572, MONDO:0011715, OMIM 606744.

Allele frequency attached by ClinVar (database versions not stated): TOPMed 0.00002; ExAC 0.00003; gnomAD exomes 0.00003 and 0.00005.
gnomAD v4.1: 17 of 1,613,090 alleles (0.0011%); highest among the groups gnomAD compares: Admixed American, 0.028%; no homozygotes.

Submissions (4):

Ambry Genetics
Classification: Uncertain significance for Inborn genetic diseases. Last evaluated: 2024-09-02. Review status: criteria provided, single submitter. Criteria: Ambry Variant Classification Scheme 2023. Collection method: clinical testing. Allele origin: germline.

Labcorp Genetics (formerly Invitae), Labcorp
Classification: Uncertain significance. Last evaluated: 2024-05-06. Review status: criteria provided, single submitter. Criteria: Invitae Variant Classification Sherloc (09022015). Collection method: clinical testing. Allele origin: germline.
Comment: This sequence change replaces serine, which is neutral and polar, with threonine, which is neutral and polar, at codon 415 of the RBBP8 protein (p.Ser415Thr). This variant is present in population databases (rs769800397, gnomAD 0.03%). This variant has not been reported in the literature in individuals affected with RBBP8-related conditions. ClinVar contains an entry for this variant (Variation ID: 1413880). Advanced modeling of protein sequence and biophysical properties (such as structural, functional, and spatial information, amino acid conservation, physicochemical variation, residue mobility, and thermodynamic stability) performed at Invitae indicates that this missense variant is not expected to disrupt RBBP8 protein function with a negative predictive value of 80%. In summary, the available evidence is currently insufficient to determine the role of this variant in disease. Therefore, it has been classified as a Variant of Uncertain Significance.

Fulgent Genetics
Classification: Uncertain significance for Jawad syndrome; Seckel syndrome 2. Last evaluated: 2024-03-12. Review status: criteria provided, single submitter. Criteria: ACMG Guidelines, 2015. Collection method: clinical testing. Allele origin: germline.

Blueprint Genetics
Classification: Uncertain significance. Last evaluated: 2023-06-12. Review status: criteria provided, single submitter. Criteria: ACMG Guidelines, 2015. Collection method: clinical testing. Allele origin: germline.